The following is an entry in ClinVar:

NM_005055.5(RAPSN):c.1041G>A (p.Ala347=)

Gene: RAPSN (receptor associated protein of the synapse; minus strand). Cytogenetic location: 11p11.2.
Variant type: single nucleotide variant.
Coding change: c.1041G>A on transcript NM_005055.5 (MANE Select); coding-DNA position 1041, G replaced by A.
Protein change: p.Ala347=; no amino-acid change (alanine 347 retained).
Molecular consequence: synonymous variant.
Genome position (GRCh38, 1-based): chr11:47,438,857, C>T on the plus strand (G>A on the coding strand, the complement: RAPSN is on the minus strand). VCF-style: chr11-47438857-C-T. GRCh37 (hg19) VCF-style: chr11-47460408-C-T.
Other names: p.Ala347=; c.864G>A, p.Ala288= (NM_032645.5).
Identifiers: ClinVar variation 259623 (VCV000259623.23), dbSNP rs149683345, ClinGen allele CA5976519.

ClinVar aggregate classification (germline): Conflicting classifications of pathogenicity. Review status: criteria provided, conflicting classifications (1 of 4 stars). 10 submissions from 8 submitters: Uncertain significance (4); Benign (1); Likely benign (4). 1 of the submissions does not count toward it. Last evaluated 2026-01-20.

Conditions:
Fetal akinesia deformation sequence 1 (FADS1). Also called: Pena-Shokeir syndrome type I; Fetal akinesia sequence. Identifiers: Orphanet 994, MedGen C1276035, MONDO:0100101, OMIM 208150, HP:0001989.
Congenital myasthenic syndrome 11. Also called: MYASTHENIC SYNDROME, CONGENITAL, Ie; Myasthenic syndrome, congenital, 11, associated with acetylcholine receptor deficiency. Identifiers: Orphanet 590, MedGen C4225367, MONDO:0014588, OMIM 616326.
Fetal akinesia deformation sequence 2. Identifiers: MedGen C4760576, MONDO:0100102, OMIM 618388.
Congenital myasthenic syndrome (CMS). Also called: Congenital Myasthenic Syndromes. Identifiers: Orphanet 590, MedGen C0751882, MeSH D020294, MONDO:0018940.

Allele frequency attached by ClinVar (database versions not stated): gnomAD 0.00016; 1000 Genomes Project 0.00020; TOPMed 0.00033; gnomAD exomes 0.00039; ESP Exome Variant Server 0.00046; ExAC 0.00055.
gnomAD v4.1: 864 of 1,569,546 alleles (0.055%); highest among the groups gnomAD compares: Non-Finnish European, 0.07%; 2 homozygotes.

Submissions (10):

Labcorp Genetics (formerly Invitae), Labcorp
Classification: Likely benign for Congenital myasthenic syndrome 11; Fetal akinesia deformation sequence 1. Last evaluated: 2026-01-20. Review status: criteria provided, single submitter. Criteria: Invitae Variant Classification Sherloc (09022015). Collection method: clinical testing. Allele origin: germline.

Mayo Clinic Laboratories, Mayo Clinic
Classification: Likely benign. Last evaluated: 2025-12-03. Review status: criteria provided, single submitter. Criteria: ACMG Guidelines, 2015. Collection method: clinical testing. Allele origin: germline. Observed: 1 variant allele.
Comment: BP4, BP7

Blueprint Genetics
Classification: Likely benign. Last evaluated: 2024-10-17. Review status: criteria provided, single submitter. Criteria: ACMG Guidelines, 2015. Collection method: clinical testing. Allele origin: germline.

Genome-Nilou Lab
Classification: Uncertain significance for Fetal akinesia deformation sequence 2. Last evaluated: 2021-07-22. Review status: criteria provided, single submitter. Criteria: ACMG Guidelines, 2015. Collection method: clinical testing. Allele origin: germline. Affected: no.

Genome-Nilou Lab
Classification: Uncertain significance for Congenital myasthenic syndrome 11. Last evaluated: 2021-07-22. Review status: criteria provided, single submitter. Criteria: ACMG Guidelines, 2015. Collection method: clinical testing. Allele origin: germline. Affected: no.

Athena Diagnostics
Classification: Benign. Last evaluated: 2019-05-14. Review status: criteria provided, single submitter. Criteria: Athena Diagnostics Criteria. Collection method: clinical testing. Allele origin: germline.

Illumina Laboratory Services, Illumina
Classification: Uncertain significance for Congenital myasthenic syndrome 11. Last evaluated: 2018-01-13. Review status: criteria provided, single submitter. Criteria: ICSL Variant Classification Criteria 13 December 2019. Collection method: clinical testing. Allele origin: germline.

Illumina Laboratory Services, Illumina
Classification: Uncertain significance for Fetal akinesia deformation sequence 1. Last evaluated: 2018-01-13. Review status: criteria provided, single submitter. Criteria: ICSL Variant Classification Criteria 13 December 2019. Collection method: clinical testing. Allele origin: germline.

PreventionGenetics, part of Exact Sciences
Classification: Likely benign. Review status: criteria provided, single submitter. Criteria: ACMG Guidelines, 2015. Collection method: clinical testing. Allele origin: germline.

Natera, Inc.
Classification: Uncertain significance for Congenital myasthenic syndrome. Last evaluated: 2020-04-13. Review status: no assertion criteria provided. Collection method: clinical testing. Allele origin: germline. Not counted in ClinVar's aggregate classification.